The following is an entry in ClinVar:

ClinVar aggregate classification (germline): Likely benign. Review status: criteria provided, multiple submitters, no conflicts (2 of 4 stars). 4 submissions from 4 submitters: Likely benign (4). Last evaluated 2026-06-01.

Allele frequency attached by ClinVar (database versions not stated): 1000 Genomes Project 30x 0.00031; 1000 Genomes Project 0.00040; TOPMed 0.00050; gnomAD 0.00092; ESP Exome Variant Server 0.00120.
gnomAD v4.1: 1,474 of 1,614,010 alleles (0.091%); highest among the groups gnomAD compares: Non-Finnish European, 0.11%; no homozygotes.

Submissions (4):

CeGaT Center for Human Genetics Tuebingen
Classification: Likely benign. Last evaluated: 2026-06-01. Review status: criteria provided, single submitter. Criteria: CeGaT Center For Human Genetics Tuebingen Variant Classification Criteria Version 2. Collection method: clinical testing. Allele origin: germline. Affected: yes. Observed: 4 variant alleles.
Comment: TBCD: BP4, BP7

Labcorp Genetics (formerly Invitae), Labcorp
Classification: Likely benign. Last evaluated: 2026-01-22. Review status: criteria provided, single submitter. Criteria: Invitae Variant Classification Sherloc (09022015). Collection method: clinical testing. Allele origin: germline.

Blueprint Genetics
Classification: Likely benign. Last evaluated: 2024-11-15. Review status: criteria provided, single submitter. Criteria: ACMG Guidelines, 2015. Collection method: clinical testing. Allele origin: germline.

Breakthrough Genomics
Classification: Likely benign. Review status: criteria provided, single submitter. Criteria: ACMG Guidelines, 2015. Collection method: not provided. Allele origin: germline. Inheritance: Autosomal recessive inheritance. Affected: yes.

NM_005993.5(TBCD):c.2487T>C (p.Val829=)

Gene: TBCD (tubulin folding cofactor D). Cytogenetic location: 17q25.3.
Variant type: single nucleotide variant.
Coding change: c.2487T>C on transcript NM_005993.5 (MANE Select); coding-DNA position 2487, T replaced by C.
Protein change: p.Val829=; no amino-acid change (valine 829 retained).
Molecular consequence: synonymous variant.
Genome position (GRCh38, 1-based): chr17:82,927,201, T>C. VCF-style: chr17-82927201-T-C. GRCh37 (hg19) VCF-style: chr17-80885077-T-C.
Identifiers: ClinVar variation 745777 (VCV000745777.45), dbSNP rs189904059, ClinGen allele CA8863093.